The following is an entry in ClinVar:

NM_003737.4(DCHS1):c.9785C>A (p.Ala3262Asp)

Gene: DCHS1 (dachsous cadherin-related 1; minus strand). Cytogenetic location: 11p15.4.
Variant type: single nucleotide variant.
Coding change: c.9785C>A on transcript NM_003737.4 (MANE Select); coding-DNA position 9785, C replaced by A.
Protein change: p.Ala3262Asp; replaces alanine 3262 with aspartic acid.
Molecular consequence: missense variant.
Genome position (GRCh38, 1-based): chr11:6,621,891, G>T on the plus strand (C>A on the coding strand, the complement: DCHS1 is on the minus strand). VCF-style: chr11-6621891-G-T. GRCh37 (hg19) VCF-style: chr11-6643122-G-T.
Other names: short protein forms A3262D.
Identifiers: ClinVar variation 4885658 (VCV004885658.2).

ClinVar aggregate classification (germline): Uncertain significance (1 of 4 stars; one submission).

gnomAD v4.1: 4 of 1,612,694 alleles (0.00025%); highest among the groups gnomAD compares: Non-Finnish European, 0.00034%; no homozygotes.

Submission:

Dasa
Classification: Uncertain significance. Last evaluated: 2025-04-05. Review status: criteria provided, single submitter. Criteria: DASA Assertion Criteria. Collection method: clinical testing. Allele origin: germline.
Comment: NM_003737.4(DCHS1):c.9785C>A (p.Ala3262Asp) is a missense variant that results in the substitution of alanine with aspartic acid. This variant is rare in population databases. The currently available literature and clinical evidence are not sufficient to establish a definitive association between this variant and the reported condition. Therefore, this variant is classified as a variant of uncertain significance.